The following is an entry in ClinVar:

NM_001365480.1(CCDC88A):c.541A>G (p.Met181Val)

Gene: CCDC88A (coiled-coil domain containing 88A; minus strand). Cytogenetic location: 2p16.1.
Variant type: single nucleotide variant.
Coding change: c.541A>G on transcript NM_001365480.1 (MANE Select); coding-DNA position 541, A replaced by G.
Protein change: p.Met181Val; replaces methionine 181 with valine.
Molecular consequence: missense variant.
Genome position (GRCh38, 1-based): chr2:55,362,394, T>C on the plus strand (A>G on the coding strand, the complement: CCDC88A is on the minus strand). VCF-style: chr2-55362394-T-C. GRCh37 (hg19) VCF-style: chr2-55589530-T-C.
Other names: c.541A>G, p.Met181Val (NM_001135597.2, NM_001254943.2, NM_018084.5); c.541A>G (NM_001135597.1); short protein forms M181V.
Identifiers: ClinVar variation 1398497 (VCV001398497.6), dbSNP rs763769530, ClinGen allele CA1666350.
Genomic context (GRCh38, chr2:55,362,394, plus strand): 5'-TAAGTCTTTTTAGATGCAATGCCATATTTTTCAAGAGTGGTTCTATGTCCTCCTGCGACA[T>C]ATCAGTCACTTCCATCCATTGCAGGTCAAACACATTTTCCTGATTATGAGTTACCTTTAG-3'
Protein context (NP_001352409.1, residues 171-191): FDLQWMEVTD[Met181Val]SQEDIEPLLK

ClinVar aggregate classification (germline): Uncertain significance. Review status: criteria provided, multiple submitters, no conflicts (2 of 4 stars). 2 submissions from 2 submitters: Uncertain significance (2). Last evaluated 2025-04-16.

Allele frequency attached by ClinVar (database versions not stated): ExAC 0.00001; gnomAD exomes 0.00004 and 0.00003; TOPMed 0.00005; gnomAD 0.00001.

Submissions (2):

Ambry Genetics
Classification: Uncertain significance. Last evaluated: 2025-04-16. Review status: criteria provided, single submitter. Criteria: Ambry Variant Classification Scheme 2023. Collection method: clinical testing. Allele origin: germline.

Labcorp Genetics (formerly Invitae), Labcorp
Classification: Uncertain significance. Last evaluated: 2024-11-18. Review status: criteria provided, single submitter. Criteria: Invitae Variant Classification Sherloc (09022015). Collection method: clinical testing. Allele origin: germline.
Comment: This sequence change replaces methionine, which is neutral and non-polar, with valine, which is neutral and non-polar, at codon 181 of the CCDC88A protein (p.Met181Val). This variant is present in population databases (rs763769530, gnomAD 0.03%). This variant has not been reported in the literature in individuals affected with CCDC88A-related conditions. ClinVar contains an entry for this variant (Variation ID: 1398497). An algorithm developed to predict the effect of missense changes on protein structure and function (PolyPhen-2) suggests that this variant¬†is likely to be tolerated. In summary, the available evidence is currently insufficient to determine the role of this variant in disease. Therefore, it has been classified as a Variant of Uncertain Significance.